The following is an entry in ClinVar:

NM_020318.3(PAPPA2):c.489G>T (p.Gln163His)

Gene: PAPPA2 (pappalysin 2; plus strand). Cytogenetic location: 1q25.2.
Variant type: single nucleotide variant.
Coding change: c.489G>T on transcript NM_020318.3 (MANE Select); coding-DNA position 489, G replaced by T.
Protein change: p.Gln163His; replaces glutamine 163 with histidine.
Molecular consequence: missense variant.
Genome position (GRCh38, 1-based): chr1:176,556,811, G>T. VCF-style: chr1-176556811-G-T. GRCh37 (hg19) VCF-style: chr1-176525947-G-T.
Other names: c.489G>T, p.Gln163His (NM_021936.3); short protein forms Q163H.
Identifiers: ClinVar variation 4540395 (VCV004540395.1).

ClinVar aggregate classification (germline): Uncertain significance (1 of 4 stars; one submission).

Submission:

GeneDx
Classification: Uncertain significance. Last evaluated: 2025-06-25. Review status: criteria provided, single submitter. Criteria: GeneDx Variant Classification Process June 2021. Collection method: clinical testing. Allele origin: germline. Affected: yes.
Comment: Not observed at significant frequency in large population cohorts (gnomAD); In silico analysis suggests that this missense variant does not alter protein structure/function; Has not been previously published as pathogenic or benign to our knowledge